The following is an entry in ClinVar:

NM_201384.3(PLEC):c.6759A>G (p.Ala2253=)

Gene: PLEC (plectin; minus strand). Cytogenetic location: 8q24.3.
Variant type: single nucleotide variant.
Coding change: c.6759A>G on transcript NM_201384.3 (MANE Select); coding-DNA position 6759, A replaced by G.
Protein change: p.Ala2253=; no amino-acid change (alanine 2253 retained).
Molecular consequence: synonymous variant.
Genome position (GRCh38, 1-based): chr8:143,923,170, T>C on the plus strand (A>G on the coding strand, the complement: PLEC is on the minus strand). VCF-style: chr8-143923170-T-C. GRCh37 (hg19) VCF-style: chr8-144997338-T-C.
Other names: c.6840A>G, p.Ala2280= (NM_000445.5); c.6717A>G, p.Ala2239= (NM_201378.4); c.6693A>G, p.Ala2231= (NM_201379.3); c.7170A>G, p.Ala2390= (NM_201380.4); c.6663A>G, p.Ala2221= (NM_201381.3); c.6759A>G, p.Ala2253= (NM_201382.4); c.6771A>G, p.Ala2257= (NM_201383.3).
Identifiers: ClinVar variation 539043 (VCV000539043.9), dbSNP rs201054298, ClinGen allele CA4925873.
Genomic context (GRCh38, chr8:143,923,170, plus strand): 5'-CATCTTCTCAGCCTCCTCCTGCAGGAAGCGCTGCGTATTGTCCTTGTCACGCAAGATGAG[T>C]GCGCGGTTCTCAGCCTCGATGCGTGCCTTGAGCTTGCTCAGCTCCTCCATCTGCACGCGC-3'
Protein context (NP_958786.1, residues 2243-2263): LKARIEAENR[Ala2253=]LILRDKDNTQ

ClinVar aggregate classification (germline): Likely benign. Review status: criteria provided, multiple submitters, no conflicts (2 of 4 stars). 2 submissions from 2 submitters: Likely benign (2). Last evaluated 2026-06-01.

Conditions:
PLEC-related disorder. Also called: PLEC-related disorders; PLEC-related condition.
Epidermolysis bullosa simplex, Ogna type (EBS5A). Also called: Pidermolysis bullosa simplex 5A, Ogna type; EPIDERMOLYSIS BULLOSA SIMPLEX 5A, OGNA TYPE. Identifiers: Orphanet 79401, MedGen C0432317, MONDO:0007555, OMIM 131950.
Epidermolysis bullosa simplex 5B, with muscular dystrophy (EBS5B). Also called: Epidermolysis bullosa simplex with muscular dystrophy; EPIDERMOLYSIS BULLOSA SIMPLEX AND LIMB-GIRDLE MUSCULAR DYSTROPHY. Identifiers: Orphanet 257, MedGen C2931072, MONDO:0009181, OMIM 226670.
Epidermolysis bullosa simplex with nail dystrophy (EBS5D). Identifiers: MedGen C4225309, MONDO:0014661, OMIM 616487.
Autosomal recessive limb-girdle muscular dystrophy type 2Q (LGMDR17). Also called: MUSCULAR DYSTROPHY, LIMB-GIRDLE, AUTOSOMAL RECESSIVE 17. Identifiers: Orphanet 254361, MedGen C3150989, MONDO:0013390, OMIM 613723.
Epidermolysis bullosa simplex 5C, with pyloric atresia (EBS5C). Also called: PLEC-Related Epidermolysis Bullosa with Pyloric Atresia; Epidermolysis bullosa simplex with pyloric atresia; PLEC1-Related Epidermolysis Bullosa with Pyloric Atresia. Identifiers: Orphanet 158684, MedGen C2677349, MONDO:0012807, OMIM 612138.

Allele frequency attached by ClinVar (database versions not stated): gnomAD 0.00002; gnomAD exomes 0.00002; ExAC 0.00003; TOPMed 0.00004.
gnomAD v4.1: 46 of 1,602,284 alleles (0.0029%); highest among the groups gnomAD compares: Non-Finnish European, 0.0034%; no homozygotes.

Submissions (2):

PreventionGenetics, part of Exact Sciences
Classification: Likely benign for PLEC-related condition. Last evaluated: 2026-06-01. Review status: criteria provided, single submitter. Criteria: ACMG Guidelines, 2015. Collection method: clinical testing. Allele origin: germline.
Comment: This variant is classified as likely benign based on ACMG/AMP sequence variant interpretation guidelines (Richards et al. 2015 PMID: 25741868, with internal and published modifications).

Labcorp Genetics (formerly Invitae), Labcorp
Classification: Likely benign for Autosomal recessive limb-girdle muscular dystrophy type 2Q; Epidermolysis bullosa simplex, Ogna type; Epidermolysis bullosa simplex with nail dystrophy; Epidermolysis bullosa simplex 5C, with pyloric atresia; Epidermolysis bullosa simplex 5B, with muscular dystrophy. Last evaluated: 2025-08-21. Review status: criteria provided, single submitter. Criteria: Invitae Variant Classification Sherloc (09022015). Collection method: clinical testing. Allele origin: germline.